The following is an entry in ClinVar:

NM_001374828.1(ARID1B):c.954C>T (p.Gly318=)

Gene: ARID1B (AT-rich interaction domain 1B; plus strand). Cytogenetic location: 6q25.3.
Variant type: single nucleotide variant.
Coding change: c.954C>T on transcript NM_001374828.1 (MANE Select); coding-DNA position 954, C replaced by T.
Protein change: p.Gly318=; no amino-acid change (glycine 318 retained).
Molecular consequence: synonymous variant.
Genome position (GRCh38, 1-based): chr6:156,778,634, C>T. VCF-style: chr6-156778634-C-T. GRCh37 (hg19) VCF-style: chr6-157099768-C-T.
Other names: c.954C>T, p.Gly318= (NM_001371656.1, NM_001374820.1, NM_017519.3); c.705C>T, p.Gly235= (NM_020732.3).
Identifiers: ClinVar variation 434351 (VCV000434351.43), dbSNP rs745740327, ClinGen allele CA4066692.

ClinVar aggregate classification (germline): Benign/Likely benign. Review status: criteria provided, multiple submitters, no conflicts (2 of 4 stars). 7 submissions from 7 submitters: Benign (3); Likely benign (4). Last evaluated 2024-10-16.

Conditions:
Inborn genetic diseases. Identifiers: MedGen C0950123, MeSH D030342.
Coffin-Siris syndrome 1 (CSS1). Also called: Mental retardation, autosomal dominant 12; ARID1B-Related Coffin-Siris Syndrome. Identifiers: Orphanet 1465, MedGen C3281201, MONDO:0007617, OMIM 135900. Disease mechanism: gain of function.

Allele frequency attached by ClinVar (database versions not stated): gnomAD below 0.00001 and 0.00012; TOPMed 0.00002; gnomAD exomes 0.00018 and 0.00067; 1000 Genomes Project 30x 0.00078; ExAC 0.00257.
gnomAD v4.1: 250 of 1,443,964 alleles (0.017%); highest among the groups gnomAD compares: South Asian, 0.33%; 1 homozygote.

Submissions (7):

Blueprint Genetics
Classification: Likely benign. Last evaluated: 2024-10-16. Review status: criteria provided, single submitter. Criteria: ACMG Guidelines, 2015. Collection method: clinical testing. Allele origin: germline.

Labcorp Genetics (formerly Invitae), Labcorp
Classification: Benign. Last evaluated: 2023-12-16. Review status: criteria provided, single submitter. Criteria: Invitae Variant Classification Sherloc (09022015). Collection method: clinical testing. Allele origin: germline.

CeGaT Center for Human Genetics Tuebingen
Classification: Likely benign. Last evaluated: 2023-11-01. Review status: criteria provided, single submitter. Criteria: CeGaT Center For Human Genetics Tuebingen Variant Classification Criteria Version 2. Collection method: clinical testing. Allele origin: germline. Affected: yes. Observed: 1 variant allele.
Comment: ARID1B: BP4, BP7, BS1

Genome-Nilou Lab
Classification: Benign for Coffin-Siris syndrome 1. Last evaluated: 2021-07-15. Review status: criteria provided, single submitter. Criteria: ACMG Guidelines, 2015. Collection method: clinical testing. Allele origin: germline. Affected: no.

GeneDx
Classification: Benign. Last evaluated: 2020-08-24. Review status: criteria provided, single submitter. Criteria: GeneDx Variant Classification Process June 2021. Collection method: clinical testing. Allele origin: germline. Affected: yes.

Ambry Genetics
Classification: Likely benign for Inborn genetic diseases. Last evaluated: 2016-08-15. Review status: criteria provided, single submitter. Criteria: Ambry Variant Classification Scheme 2023. Collection method: clinical testing. Allele origin: germline.

Genetic Services Laboratory, University of Chicago
Classification: Likely benign. Last evaluated: 2015-10-22. Review status: criteria provided, single submitter. Criteria: ACMG Guidelines, 2015. Collection method: clinical testing. Allele origin: germline. Affected: no.